The following is an entry in ClinVar:

ClinVar aggregate classification (germline): Pathogenic/Likely pathogenic. Review status: criteria provided, multiple submitters, no conflicts (2 of 4 stars). 4 submissions from 4 submitters: Pathogenic (3); Likely pathogenic (1). Last evaluated 2026-04-20.

Conditions:
Familial isolated arrhythmogenic right ventricular dysplasia. Identifiers: Orphanet 217656, MedGen C4274968, MONDO:0016342.
Cardiovascular phenotype. Identifiers: MedGen CN230736.
Arrhythmogenic right ventricular dysplasia 9 (ARVD9). Also called: Arrhythmogenic Right Ventricular Dysplasia/Cardiomyopathy 9; ARRHYTHMOGENIC RIGHT VENTRICULAR DYSPLASIA, FAMILIAL, 9. Identifiers: MedGen C1836906, MONDO:0012180, OMIM 609040.

Submissions (4):

Women's Health and Genetics/Laboratory Corporation of America, LabCorp
Classification: Pathogenic for Familial isolated arrhythmogenic right ventricular dysplasia. Last evaluated: 2026-04-20. Review status: criteria provided, single submitter. Criteria: LabCorp Variant Classification Summary - May 2015. Collection method: clinical testing. Allele origin: germline.
Comment: Variant summary: PKP2 c.198delG (p.Lys67ArgfsX45) results in a premature termination codon, predicted to cause a truncation of the encoded protein or absence of the protein due to nonsense mediated decay, which are commonly known mechanisms for disease. The variant was absent in 194710 control chromosomes. c.198delG has been observed in individual(s) affected with Arrhythmogenic Right Ventricular Dysplasia/Cardiomyopathy (e.g. Stava_2022). To our knowledge, no experimental evidence demonstrating an impact on protein function has been reported. The following publication have been ascertained in the context of this evaluation (PMID: 35653365). ClinVar contains an entry for this variant (Variation ID: 451646). Based on the evidence outlined above, the variant was classified as pathogenic.

Ambry Genetics
Classification: Pathogenic for Cardiovascular phenotype. Last evaluated: 2025-08-20. Review status: criteria provided, single submitter. Criteria: Ambry Variant Classification Scheme 2023. Collection method: clinical testing. Allele origin: germline.
Comment: The c.198delG pathogenic mutation, located in coding exon 1 of the PKP2 gene, results from a deletion of one nucleotide at nucleotide position 198, causing a translational frameshift with a predicted alternate stop codon (p.K67Rfs*45). This variant is considered to be rare based on population cohorts in the Genome Aggregation Database (gnomAD). This alteration is expected to result in loss of function by premature protein truncation or nonsense-mediated mRNA decay. As such, this alteration is interpreted as a disease-causing mutation.

Labcorp Genetics (formerly Invitae), Labcorp
Classification: Pathogenic for Arrhythmogenic right ventricular dysplasia 9. Last evaluated: 2021-10-27. Review status: criteria provided, single submitter. Criteria: Invitae Variant Classification Sherloc (09022015). Collection method: clinical testing. Allele origin: germline.
Comment: For these reasons, this variant has been classified as Pathogenic. This variant is not present in population databases (gnomAD no frequency). This variant has not been reported in the literature in individuals affected with PKP2-related conditions. ClinVar contains an entry for this variant (Variation ID: 451646). This sequence change creates a premature translational stop signal (p.Lys67Argfs*45) in the PKP2 gene. It is expected to result in an absent or disrupted protein product. Loss-of-function variants in PKP2 are known to be pathogenic (PMID: 15489853, 23911551).

GeneDx
Classification: Likely pathogenic. Last evaluated: 2018-03-02. Review status: criteria provided, single submitter. Criteria: GeneDx Variant Classification (06012015). Collection method: clinical testing. Allele origin: germline. Affected: yes.
Comment: Although the c.198delG likely pathogenic variant in the PKP2 gene has not been reported to our knowledge, this variant causes a shift in reading frame starting at codon lysine 67, changing it to an arginine, and creating a premature stop codon at position 45 of the new reading frame, denoted p.Lys67ArgfsX45. This likely pathogenic variant is expected to result in either an abnormal, truncated protein product or loss of protein from this allele through nonsense-mediated mRNA decay. Other frameshift variants in the PKP2 gene have been reported in Human Gene Mutation Database in association with ARVC (Stenson et al., 2014), indicating that loss of function is a mechanism of disease for this gene. Furthermore, the c.198delG variant has not been observed in large population cohorts (Lek et al., 2016; 1000 Genomes Consortium et al., 2015; Exome Variant Server).

Literature cited by the submitters: PubMed 35653365 (cited by Women's Health and Genetics/Laboratory Corporation of America, LabCorp); PubMed 15489853 (cited by Labcorp Genetics (formerly Invitae), Labcorp); PubMed 23911551 (cited by Labcorp Genetics (formerly Invitae), Labcorp).

NM_001005242.3(PKP2):c.198del (p.Lys67fs)

Gene: PKP2 (plakophilin 2; minus strand). Cytogenetic location: 12p11.21.
Variant type: Deletion.
Coding change: c.198del on transcript NM_001005242.3 (MANE Select); coding-DNA position 198, one base deleted (G; older notation c.198delG).
Protein change: p.Lys67fs; shifts the reading frame from lysine 67.
Molecular consequence: frameshift variant.
Genome position (GRCh38, 1-based): chr12:32,896,534, C deleted on the plus strand (G on the coding strand, the reverse complement: PKP2 is on the minus strand); the first of 2 consecutive C bases (chr12:32,896,534-32,896,535); deleting either gives the same sequence. VCF-style (leftmost placement, unchanged base first): chr12-32896533-TC-T. GRCh37 (hg19) VCF-style: chr12-33049467-TC-T.
Other names: c.198delG (NM_004572.4, NM_004572.3); c.198del, p.Lys67fs (NM_004572.4); short protein forms K67fs.
Identifiers: ClinVar variation 451646 (VCV000451646.9), dbSNP rs1555149952, ClinGen allele CA658658133.